The following is an entry in ClinVar:

ClinVar aggregate classification (germline): Pathogenic (1 of 4 stars; one submission).

Conditions:
Hereditary breast ovarian cancer syndrome. Also called: Breast and ovarian cancer; BRCA1- and BRCA2-Associated Hereditary Breast and Ovarian Cancer; Hereditary breast and/or ovarian cancer syndrome; Hereditary breast and ovarian cancer; Hereditary breast and ovarian cancer syndrome (HBOC); Hereditary breast and ovarian cancer syndrome. Identifiers: Orphanet 145, MedGen C0677776, MeSH D061325, MONDO:0003582. Disease mechanism: loss of function.

Submission:

Labcorp Genetics (formerly Invitae), Labcorp
Classification: Pathogenic for Hereditary breast ovarian cancer syndrome. Last evaluated: 2024-02-03. Review status: criteria provided, single submitter. Criteria: Invitae Variant Classification Sherloc (09022015). Collection method: clinical testing. Allele origin: germline.
Comment: This sequence change creates a premature translational stop signal (p.Glu953*) in the BRCA2 gene. It is expected to result in an absent or disrupted protein product. Loss-of-function variants in BRCA2 are known to be pathogenic (PMID: 20104584). This variant is not present in population databases (gnomAD no frequency). This variant has not been reported in the literature in individuals affected with BRCA2-related conditions. For these reasons, this variant has been classified as Pathogenic.

Literature cited by the submitters: PubMed 20104584.

NM_000059.4(BRCA2):c.2857G>T (p.Glu953Ter)

Gene: BRCA2 (BRCA2 DNA repair associated; plus strand). Cytogenetic location: 13q13.1.
Variant type: single nucleotide variant.
Coding change: c.2857G>T on transcript NM_000059.4 (MANE Select); coding-DNA position 2857, G replaced by T.
Protein change: p.Glu953Ter; replaces glutamic acid 953 with a stop codon.
Molecular consequence: nonsense. On other transcripts: non-coding transcript variant (1), intron variant (2).
Genome position (GRCh38, 1-based): chr13:32,337,212, G>T. VCF-style: chr13-32337212-G-T. GRCh37 (hg19) VCF-style: chr13-32911349-G-T.
Other names: c.2857G>T, p.Glu953Ter (NM_001406719.1, NM_001406720.1, NM_001432077.1); c.1909+3825G>T (NM_001406721.1); c.424+6182G>T (NM_001406722.1); short protein forms E953*.
Identifiers: ClinVar variation 3721242 (VCV003721242.2).